The following is an entry in ClinVar:

ClinVar aggregate classification (germline): Likely benign (1 of 4 stars; one submission).

Allele frequency attached by ClinVar (database versions not stated): gnomAD 0.00001; TOPMed 0.00001; ExAC 0.00002.
gnomAD v4.1: 19 of 1,614,032 alleles (0.0012%); highest among the groups gnomAD compares: South Asian, 0.0022%; no homozygotes.

Submission:

CeGaT Center for Human Genetics Tuebingen
Classification: Likely benign. Last evaluated: 2022-07-01. Review status: criteria provided, single submitter. Criteria: CeGaT Center For Human Genetics Tuebingen Variant Classification Criteria Version 2. Collection method: clinical testing. Allele origin: germline. Affected: yes. Observed: 1 variant allele.
Comment: TOM1: BP4

NM_005488.3(TOM1):c.497A>G (p.Gln166Arg)

Genes: TOM1 (target of myb1 membrane trafficking protein; plus strand), LOC126863133 (CDK7 strongly-dependent group 2 enhancer GRCh37_chr22:35718923-35720122; plus strand). Cytogenetic location: 22q12.3.
Variant type: single nucleotide variant.
Coding change: c.497A>G on transcript NM_005488.3 (MANE Select); coding-DNA position 497, A replaced by G.
Protein change: p.Gln166Arg; replaces glutamine 166 with arginine.
Molecular consequence: missense variant. On other transcripts: non-coding transcript variant (3), intron variant (1).
Genome position (GRCh38, 1-based): chr22:35,323,626, A>G. VCF-style: chr22-35323626-A-G. GRCh37 (hg19) VCF-style: chr22-35719619-A-G.
Other names: c.398A>G, p.Gln133Arg (NM_001135729.2); c.497A>G, p.Gln166Arg (NM_001135732.2); c.367-142A>G (NM_001135730.2); short protein forms Q133R, Q166R.
Identifiers: ClinVar variation 2653088 (VCV002653088.24), dbSNP rs763314023, ClinGen allele CA10204144.